The following is an entry in ClinVar:

NM_000310.4(PPT1):c.43del (p.Leu15fs)

Gene: PPT1 (palmitoyl-protein thioesterase 1; minus strand). Cytogenetic location: 1p34.2.
Variant type: Deletion.
Coding change: c.43del on transcript NM_000310.4 (MANE Select); coding-DNA position 43, one base deleted (C; older notation c.43delC).
Protein change: p.Leu15fs; shifts the reading frame from leucine 15.
Molecular consequence: frameshift variant.
Genome position (GRCh38, 1-based): chr1:40,097,196, G deleted on the plus strand (C on the coding strand, the reverse complement: PPT1 is on the minus strand); the first of 2 consecutive G bases (chr1:40,097,196-40,097,197); deleting either gives the same sequence. VCF-style (leftmost placement, unchanged base first): chr1-40097195-AG-A. GRCh37 (hg19) VCF-style: chr1-40562867-AG-A.
Other names: c.42delC, p.Leu15Cysfs (NM_000310.3); c.43del, p.Leu15fs (NM_001142604.2, NM_001363695.2); short protein forms L15fs.
Identifiers: ClinVar variation 4818146 (VCV004818146.1).

ClinVar aggregate classification (germline): Likely pathogenic (1 of 4 stars; one submission).

Conditions:
Neuronal ceroid lipofuscinosis 1 (CLN1). Also called: CEROID LIPOFUSCINOSIS, NEURONAL, 1, VARIABLE AGE AT ONSET; PPT1-Related Neuronal Ceroid-Lipofuscinosis. Identifiers: Orphanet 228329, MedGen C1850451, MONDO:0009744, OMIM 256730.

Submission:

Natera, Inc.
Classification: Likely pathogenic for Neuronal ceroid lipofuscinosis 1. Last evaluated: 2025-09-16. Review status: criteria provided, single submitter. Criteria: Natera Variant Classification Schema (03/2026). Collection method: clinical testing. Allele origin: germline.
Comment: The c.43del variant in PPT1 is a frameshift variant predicted to shift the reading frame beginning at codon 15 and leads to a stop codon 22 codons downstream. This variant is expected to result in nonsense mediated decay, truncation, or a dysfunctional protein product. This variant is rare in the general population with a frequency below the threshold expected for the associated phenotype(s). Given the available evidence, this variant is classified as Likely Pathogenic.